The following is an entry in ClinVar:

NM_004104.5(FASN):c.7219A>T (p.Ser2407Cys)

Genes: FASN (fatty acid synthase; minus strand), LOC129390948 (MPRA-validated peak3028 silencer; plus strand). Cytogenetic location: 17q25.3.
Variant type: single nucleotide variant.
Coding change: c.7219A>T on transcript NM_004104.5 (MANE Select); coding-DNA position 7219, A replaced by T.
Protein change: p.Ser2407Cys; replaces serine 2407 with cysteine.
Molecular consequence: missense variant.
Genome position (GRCh38, 1-based): chr17:82,079,536, T>A on the plus strand (A>T on the coding strand, the complement: FASN is on the minus strand). VCF-style: chr17-82079536-T-A. GRCh37 (hg19) VCF-style: chr17-80037412-T-A.
Other names: short protein forms S2407C.
Identifiers: ClinVar variation 2902264 (VCV002902264.3), dbSNP rs1331433257, ClinGen allele CA401595950.

ClinVar aggregate classification (germline): Uncertain significance (1 of 4 stars; one submission).

Conditions:
Epileptic encephalopathy. Identifiers: MedGen C0543888, HP:0200134.

Allele frequency attached by ClinVar (database versions not stated): TOPMed below 0.00001.

Submission:

Labcorp Genetics (formerly Invitae), Labcorp
Classification: Uncertain significance for Epileptic encephalopathy. Last evaluated: 2024-01-05. Review status: criteria provided, single submitter. Criteria: Invitae Variant Classification Sherloc (09022015). Collection method: clinical testing. Allele origin: germline.
Comment: This sequence change replaces serine, which is neutral and polar, with cysteine, which is neutral and slightly polar, at codon 2407 of the FASN protein (p.Ser2407Cys). This variant is not present in population databases (gnomAD no frequency). This variant has not been reported in the literature in individuals affected with FASN-related conditions. An algorithm developed to predict the effect of missense changes on protein structure and function (PolyPhen-2) suggests that this variant is likely to be disruptive. In summary, the available evidence is currently insufficient to determine the role of this variant in disease. Therefore, it has been classified as a Variant of Uncertain Significance.